The following is an entry in ClinVar:

ClinVar aggregate classification (germline): Uncertain significance (1 of 4 stars; one submission).

Conditions:
IFT172-related disorder. Also called: IFT172-related condition; IFT172-related disorders.

gnomAD v4.1: 1 of 1,612,082 alleles (0.000062%); highest among the groups gnomAD compares: Non-Finnish European, 0.000085%; no homozygotes.

Submission:

PreventionGenetics, part of Exact Sciences
Classification: Uncertain significance for IFT172-related condition. Last evaluated: 2026-07-02. Review status: criteria provided, single submitter. Criteria: ACMG Guidelines, 2015. Collection method: clinical testing. Allele origin: germline.
Comment: The IFT172 c.3732C>A variant is predicted to result in the amino acid substitution p.Asp1244Glu. To our knowledge, this variant has not been reported in the literature or in a large population database (gnomAD), indicating this variant is rare. At this time, the clinical significance of this variant is uncertain due to the absence of conclusive functional and genetic evidence.

NM_015662.3(IFT172):c.3732C>A (p.Asp1244Glu)

Genes: IFT172 (intraflagellar transport 172; minus strand), LOC126806173 (BRD4-independent group 4 enhancer GRCh37_chr2:27676057-27677256; plus strand). Cytogenetic location: 2p23.3.
Variant type: single nucleotide variant.
Coding change: c.3732C>A on transcript NM_015662.3 (MANE Select); coding-DNA position 3732, C replaced by A.
Protein change: p.Asp1244Glu; replaces aspartic acid 1244 with glutamic acid.
Molecular consequence: missense variant.
Genome position (GRCh38, 1-based): chr2:27,453,719, G>T on the plus strand (C>A on the coding strand, the complement: IFT172 is on the minus strand). VCF-style: chr2-27453719-G-T. GRCh37 (hg19) VCF-style: chr2-27676586-G-T.
Other names: c.3666C>A, p.Asp1222Glu (NM_001410739.1); short protein forms D1222E, D1244E.
Identifiers: ClinVar variation 4994204 (VCV004994204.1).